The following is an entry in ClinVar:

ClinVar aggregate classification (germline): Uncertain significance (1 of 4 stars; one submission).

Submission:

GeneDx
Classification: Uncertain significance. Last evaluated: 2026-04-25. Review status: criteria provided, single submitter. Criteria: GeneDx Variant Classification Process June 2021. Collection method: clinical testing. Allele origin: germline.
Comment: Not observed at significant frequency in large population cohorts (gnomAD); In silico analysis supports that this missense variant has a deleterious effect on protein structure/function; Has not been previously published as pathogenic or benign to our knowledge.

NM_005859.5(PURA):c.296G>A (p.Arg99His)

Gene: PURA (purine rich element binding protein A; plus strand). Cytogenetic location: 5q31.3.
Variant type: single nucleotide variant.
Coding change: c.296G>A on transcript NM_005859.5 (MANE Select); coding-DNA position 296, G replaced by A.
Protein change: p.Arg99His; replaces arginine 99 with histidine.
Molecular consequence: missense variant.
Genome position (GRCh38, 1-based): chr5:140,114,477, G>A. VCF-style: chr5-140114477-G-A. GRCh37 (hg19) VCF-style: chr5-139494062-G-A.
Other names: short protein forms R99H.
Identifiers: ClinVar variation 3900552 (VCV003900552.2).